The following is an entry in ClinVar:

ClinVar aggregate classification (germline): Uncertain significance (1 of 4 stars; one submission).

Submission:

Labcorp Genetics (formerly Invitae), Labcorp
Classification: Uncertain significance. Last evaluated: 2021-11-08. Review status: criteria provided, single submitter. Criteria: Invitae Variant Classification Sherloc (09022015). Collection method: clinical testing. Allele origin: germline.
Comment: In summary, the available evidence is currently insufficient to determine the role of this variant in disease. Therefore, it has been classified as a Variant of Uncertain Significance. Variants that disrupt the consensus splice site are a relatively common cause of aberrant splicing (PMID: 17576681, 9536098). Algorithms developed to predict the effect of sequence changes on RNA splicing suggest that this variant is not likely to affect RNA splicing. This variant has not been reported in the literature in individuals affected with PLAA-related conditions. This variant is not present in population databases (gnomAD no frequency). This sequence change falls in intron 3 of the PLAA gene. It does not directly change the encoded amino acid sequence of the PLAA protein. It affects a nucleotide within the consensus splice site.

Literature cited by the submitters: PubMed 17576681; PubMed 9536098.

NM_001031689.3(PLAA):c.444+4C>T

Gene: PLAA (phospholipase A2 activating protein; minus strand). Cytogenetic location: 9p21.2.
Variant type: single nucleotide variant.
Coding change: c.444+4C>T on transcript NM_001031689.3 (MANE Select); 4 bases into the intron after coding-DNA position 444, C replaced by T.
Molecular consequence: intron variant.
Genome position (GRCh38, 1-based): chr9:26,928,304, G>A on the plus strand (C>T on the coding strand, the complement: PLAA is on the minus strand). VCF-style: chr9-26928304-G-A. GRCh37 (hg19) VCF-style: chr9-26928302-G-A.
Other names: c.444+4C>T (NM_001321546.2).
Identifiers: ClinVar variation 1346818 (VCV001346818.6), dbSNP rs1825047770, ClinGen allele CA1841862589.